The following is an entry in ClinVar:

ClinVar aggregate classification (germline): Conflicting classifications of pathogenicity. Review status: criteria provided, conflicting classifications (1 of 4 stars). 7 submissions from 7 submitters: Uncertain significance (2); Likely benign (3). 2 of the submissions do not count toward it. Last evaluated 2025-06-16.

Conditions:
Hereditary spastic paraplegia 2 (SPG2). Also called: SPASTIC PARAPLEGIA 2, X-LINKED; Spastic Paraplegia 2 (SPG2). Identifiers: Orphanet 99015, MedGen C0751604, MONDO:0010733, OMIM 312920.

Allele frequency attached by ClinVar (database versions not stated): gnomAD 0.00001; gnomAD exomes 0.00002; TOPMed 0.00003.
gnomAD v4.1: 26 of 1,146,397 alleles (0.0023%); highest among the groups gnomAD compares: Middle Eastern, 0.024%; no homozygotes.

Submissions (7):

Labcorp Genetics (formerly Invitae), Labcorp
Classification: Likely benign for Hereditary spastic paraplegia 2. Last evaluated: 2025-06-16. Review status: criteria provided, single submitter. Criteria: Invitae Variant Classification Sherloc (09022015). Collection method: clinical testing. Allele origin: germline.

CeGaT Center for Human Genetics Tuebingen
Classification: Likely benign. Last evaluated: 2025-06-01. Review status: criteria provided, single submitter. Criteria: CeGaT Center For Human Genetics Tuebingen Variant Classification Criteria Version 2. Collection method: clinical testing. Allele origin: germline. Affected: yes. Observed: 1 variant allele.
Comment: PLP1: BP4, BS2

Women's Health and Genetics/Laboratory Corporation of America, LabCorp
Classification: Uncertain significance. Last evaluated: 2025-03-14. Review status: criteria provided, single submitter. Criteria: LabCorp Variant Classification Summary - May 2015. Collection method: clinical testing. Allele origin: germline.
Comment: Variant summary: PLP1 c.696+8G>T alters a non-conserved nucleotide located close to a canonical splice site and therefore could affect mRNA splicing, leading to a significantly altered protein sequence. Consensus agreement among computation tools predict no significant impact on normal splicing. However, these predictions have yet to be confirmed by functional studies. The variant was absent in 183235 control chromosomes. The available data on variant occurrences in the general population are insufficient to allow any conclusion about variant significance. To our knowledge, no occurrence of c.696+8G>T in individuals affected with Pelizaeus-Merzbacher disease and no experimental evidence demonstrating its impact on protein function have been reported. ClinVar contains an entry for this variant (Variation ID: 436344). Based on the evidence outlined above, the variant was classified as uncertain significance.

Blueprint Genetics
Classification: Likely benign. Last evaluated: 2024-07-09. Review status: criteria provided, single submitter. Criteria: ACMG Guidelines, 2015. Collection method: clinical testing. Allele origin: germline.

Genetic Services Laboratory, University of Chicago
Classification: Uncertain significance. Last evaluated: 2017-03-03. Review status: criteria provided, single submitter. Criteria: ACMG Guidelines, 2015. Collection method: clinical testing. Allele origin: germline. Affected: no.

Clinical Genetics DNA and cytogenetics Diagnostics Lab, Erasmus MC, Erasmus Medical Center
Classification: Likely benign. Review status: no assertion criteria provided. Collection method: clinical testing. Allele origin: germline. Affected: yes. Study: VKGL Data-share Consensus. Not counted in ClinVar's aggregate classification.

Laboratory of Diagnostic Genome Analysis, Leiden University Medical Center (LUMC)
Classification: Likely benign. Review status: no assertion criteria provided. Collection method: clinical testing. Allele origin: germline. Affected: yes. Study: VKGL Data-share Consensus. Not counted in ClinVar's aggregate classification.

NM_000533.5(PLP1):c.696+8G>T

Genes: PLP1 (proteolipid protein 1; plus strand), RAB9B (RAB9B, member RAS oncogene family; minus strand). Cytogenetic location: Xq22.2.
Variant type: single nucleotide variant.
Coding change: c.696+8G>T on transcript NM_000533.5 (MANE Select); 8 bases into the intron after coding-DNA position 696, G replaced by T.
Molecular consequence: intron variant.
Genome position (GRCh38, 1-based): chrX:103,788,518, G>T. VCF-style: chrX-103788518-G-T. GRCh37 (hg19) VCF-style: chrX-103043447-G-T.
Other names: c.696+8G>T (NM_001128834.3); c.591+8G>T (NM_199478.3); c.531+8G>T (NM_001305004.1).
Identifiers: ClinVar variation 436344 (VCV000436344.26), dbSNP rs902326390, ClinGen allele CA334001302.
Genomic context (GRCh38, chrX:103,788,518, plus strand): 5'-TCCCTGGCAAGGTTTGTGGCTCCAACCTTCTGTCCATCTGCAAAACAGCTGAGGTGAGTG[G>T]GTTATTTGGGTTATTTTACAAGGGAGTAGCTAATACCATACAAATTACACCCATGGCCTT-3'